The following is an entry in ClinVar:

NM_001009944.3(PKD1):c.4617G>A (p.Trp1539Ter)

Gene: PKD1 (polycystin 1, transient receptor potential channel interacting; minus strand). Cytogenetic location: 16p13.3.
Variant type: single nucleotide variant.
Coding change: c.4617G>A on transcript NM_001009944.3 (MANE Select); coding-DNA position 4617, G replaced by A.
Protein change: p.Trp1539Ter; replaces tryptophan 1539 with a stop codon.
Molecular consequence: nonsense.
Genome position (GRCh38, 1-based): chr16:2,110,550, C>T on the plus strand (G>A on the coding strand, the complement: PKD1 is on the minus strand). VCF-style: chr16-2110550-C-T. GRCh37 (hg19) VCF-style: chr16-2160551-C-T.
Other names: c.4617G>A, p.Trp1539Ter (NM_000296.4); short protein forms W1539*.
Identifiers: ClinVar variation 1699332 (VCV001699332.3), dbSNP rs2151796950, ClinGen allele CA394379589.

ClinVar aggregate classification (germline): Pathogenic (1 of 4 stars; one submission).

Conditions:
Polycystic kidney disease, adult type (PKD1). Also called: Polycystic Kidney Disease 1, Autosomal Dominant; Polycystic kidney disease 1; Polycystic kidney disease 1, severe; Polycystic Kidney, Autosomal Dominant; POLYCYSTIC KIDNEY DISEASE 1 WITH OR WITHOUT POLYCYSTIC LIVER DISEASE; POLYCYSTIC KIDNEY DISEASE, ADULT, TYPE I. Identifiers: MedGen C3149841, MONDO:0008263, OMIM 173900.

Submission:

Victorian Clinical Genetics Services, Murdoch Childrens Research Institute
Classification: Pathogenic for Polycystic kidney disease, adult type. Last evaluated: 2022-06-24. Review status: criteria provided, single submitter. Criteria: ACMG Guidelines, 2015. Collection method: clinical testing. Allele origin: germline. Inheritance: Autosomal dominant inheritance. Affected: yes.
Comment: Based on the classification scheme VCGS_Germline_v1.3.4, this variant is classified as Pathogenic. Following criteria are met: 0102 - Loss of function is a known mechanism of disease in this gene and is associated with polycystic kidney disease 1 (MIM#173900). (I) 0107 - This gene is associated with autosomal dominant disease. Polycystic kidney disease 1 (MIM#173900) is predominantly caused by monoallelic variants, with rare reports of biallelic variants causing disease (OMIM). (I) 0201 - Variant is predicted to cause nonsense-mediated decay (NMD) and loss of protein (premature termination codon is located at least 54 nucleotides upstream of the final exon-exon junction). (SP) 0251 - This variant is heterozygous. (I) 0301 - Variant is absent from gnomAD (both v2 and v3). (SP) 0701 - Other NMD predicted variants comparable to the one identified in this case have very strong previous evidence for pathogenicity (DECIPHER). (SP) 0801 - This variant has strong previous evidence of pathogenicity in unrelated individuals. This variant has been classified as pathogenic by a clinical laboratory in ClinVar, and has been observed in seven other individuals with polycystic kidney disease (PMIDs: 30989420, 22508176). (SP) 1007 - No published functional evidence has been identified for this variant. (I) 1208 - Inheritance information for this variant is not currently available in this individual. (I) Legend: (SP) - Supporting pathogenic, (I) - Information, (SB) - Supporting benign

Literature cited by the submitters: PubMed 22508176; PubMed 30989420.